The following is an entry in ClinVar:

NM_000350.3(ABCA4):c.1808A>T (p.Tyr603Phe)

Gene: ABCA4 (ATP binding cassette subfamily A member 4; minus strand). Cytogenetic location: 1p22.1.
Variant type: single nucleotide variant.
Coding change: c.1808A>T on transcript NM_000350.3 (MANE Select); coding-DNA position 1808, A replaced by T.
Protein change: p.Tyr603Phe; replaces tyrosine 603 with phenylalanine.
Molecular consequence: missense variant.
Genome position (GRCh38, 1-based): chr1:94,062,706, T>A on the plus strand (A>T on the coding strand, the complement: ABCA4 is on the minus strand). VCF-style: chr1-94062706-T-A. GRCh37 (hg19) VCF-style: chr1-94528262-T-A.
Other names: c.1808A>T, p.Tyr603Phe (NM_001425324.1); short protein forms Y603F.
Identifiers: ClinVar variation 1419447 (VCV001419447.9), dbSNP rs2101078386, ClinGen allele CA341279642.

ClinVar aggregate classification (germline): Conflicting classifications of pathogenicity. Review status: criteria provided, conflicting classifications (1 of 4 stars). 2 submissions from 2 submitters: Likely pathogenic (1); Uncertain significance (1). Last evaluated 2025-06-25.

Submissions (2):

Revvity Omics, Revvity
Classification: Uncertain significance. Last evaluated: 2025-06-25. Review status: criteria provided, single submitter. Criteria: ACMG Guidelines, 2015. Collection method: clinical testing. Allele origin: germline.

Labcorp Genetics (formerly Invitae), Labcorp
Classification: Likely pathogenic. Last evaluated: 2024-10-15. Review status: criteria provided, single submitter. Criteria: Invitae Variant Classification Sherloc (09022015). Collection method: clinical testing. Allele origin: germline.
Comment: This sequence change replaces tyrosine, which is neutral and polar, with phenylalanine, which is neutral and non-polar, at codon 603 of the ABCA4 protein (p.Tyr603Phe). This variant is not present in population databases (gnomAD no frequency). This variant has not been reported in the literature in individuals affected with ABCA4-related conditions. ClinVar contains an entry for this variant (Variation ID: 1419447). Invitae Evidence Modeling of protein sequence and biophysical properties (such as structural, functional, and spatial information, amino acid conservation, physicochemical variation, residue mobility, and thermodynamic stability) indicates that this missense variant is expected to disrupt ABCA4 protein function with a positive predictive value of 95%. This variant disrupts the p.Tyr603 amino acid residue in ABCA4. Other variant(s) that disrupt this residue have been determined to be pathogenic (PMID: 29555955, 32531858, 34073554). This suggests that this residue is clinically significant, and that variants that disrupt this residue are likely to be disease-causing. In summary, the currently available evidence indicates that the variant is pathogenic, but additional data are needed to prove that conclusively. Therefore, this variant has been classified as Likely Pathogenic.

Literature cited by the submitters: PubMed 29555955 (cited by Labcorp Genetics (formerly Invitae), Labcorp); PubMed 32531858 (cited by Labcorp Genetics (formerly Invitae), Labcorp); PubMed 34073554 (cited by Labcorp Genetics (formerly Invitae), Labcorp).